The following is an entry in ClinVar:

ClinVar aggregate classification (germline): Conflicting classifications of pathogenicity. Review status: criteria provided, conflicting classifications (1 of 4 stars). 2 submissions from 2 submitters: Uncertain significance (1); Likely benign (1). Last evaluated 2025-07-29.

Conditions:
Dilated cardiomyopathy 1J (CMD1J). Also called: CARDIOMYOPATHY, DILATED, WITH SENSORINEURAL HEARING LOSS, AUTOSOMAL DOMINANT. Identifiers: Orphanet 217622, MedGen C1854368, MONDO:0011541, OMIM 605362.

Submissions (2):

GeneDx
Classification: Uncertain significance. Last evaluated: 2025-07-29. Review status: criteria provided, single submitter. Criteria: GeneDx Variant Classification Process June 2021. Collection method: clinical testing. Allele origin: germline. Affected: yes.
Comment: Not observed at significant frequency in large population cohorts (gnomAD); Has not been previously published as pathogenic or benign to our knowledge; In silico analysis is inconclusive as to whether the variant alters gene splicing. In the absence of RNA/functional studies, the actual effect of this sequence change is unknown.

Labcorp Genetics (formerly Invitae), Labcorp
Classification: Likely benign for Dilated cardiomyopathy 1J. Last evaluated: 2024-03-21. Review status: criteria provided, single submitter. Criteria: Invitae Variant Classification Sherloc (09022015). Collection method: clinical testing. Allele origin: germline.

NM_004100.5(EYA4):c.1840-7del

Genes: EYA4 (EYA transcriptional coactivator and phosphatase 4; plus strand), TARID (TCF21 antisense RNA inducing promoter demethylation; minus strand). Cytogenetic location: 6q23.2.
Variant type: Deletion.
Coding change: c.1840-7del on transcript NM_004100.5 (MANE Select); 7 bases into the intron before coding-DNA position 1840, one base deleted (C; older notation c.1840-7delC).
Molecular consequence: intron variant.
Genome position (GRCh38, 1-based): chr6:133,528,718, C deleted; the last of 2 consecutive C bases (chr6:133,528,717-133,528,718); deleting either gives the same sequence. VCF-style (leftmost placement, unchanged base first): chr6-133528716-AC-A. GRCh37 (hg19) VCF-style: chr6-133849854-AC-A.
Other names: c.1858-7del (NM_001301013.2); c.1840-7del (NM_172105.4); c.1771-7del (NM_001370458.1, NM_172103.4); c.1696-7del (NM_001370459.1); c.1678-7del (NM_001301012.2).
Identifiers: ClinVar variation 3632807 (VCV003632807.3).